The following is an entry in ClinVar:

ClinVar aggregate classification (germline): Likely benign (1 of 4 stars; one submission).

gnomAD v4.1: 1 of 1,614,074 alleles (0.000062%); highest among the groups gnomAD compares: Admixed American, 0.0017%; no homozygotes.

Submission:

CeGaT Center for Human Genetics Tuebingen
Classification: Likely benign. Last evaluated: 2026-05-01. Review status: criteria provided, single submitter. Criteria: CeGaT Center For Human Genetics Tuebingen Variant Classification Criteria Version 2. Collection method: clinical testing. Allele origin: germline. Affected: yes. Observed: 1 variant allele.
Comment: ATP5F1A: BP4, BP7

NM_004046.6(ATP5F1A):c.1038C>A (p.Ser346=)

Gene: ATP5F1A (ATP synthase F1 subunit alpha; minus strand). Cytogenetic location: 18q21.1.
Variant type: single nucleotide variant.
Coding change: c.1038C>A on transcript NM_004046.6 (MANE Select); coding-DNA position 1038, C replaced by A.
Protein change: p.Ser346=; no amino-acid change (serine 346 retained).
Molecular consequence: synonymous variant.
Genome position (GRCh38, 1-based): chr18:46,087,146, G>T on the plus strand (C>A on the coding strand, the complement: ATP5F1A is on the minus strand). VCF-style: chr18-46087146-G-T. GRCh37 (hg19) VCF-style: chr18-43667112-G-T.
Other names: c.888C>A, p.Ser296= (NM_001001935.3, NM_001257335.2); c.1038C>A, p.Ser346= (NM_001001937.2); c.972C>A, p.Ser324= (NM_001257334.2).
Identifiers: ClinVar variation 4874809 (VCV004874809.2).